The following is an entry in ClinVar:

NM_024079.5(ALG8):c.922C>T (p.Pro308Ser)

Gene: ALG8 (ALG8 alpha-1,3-glucosyltransferase; minus strand). Cytogenetic location: 11q14.1.
Variant type: single nucleotide variant.
Coding change: c.922C>T on transcript NM_024079.5 (MANE Select); coding-DNA position 922, C replaced by T.
Protein change: p.Pro308Ser; replaces proline 308 with serine.
Molecular consequence: missense variant.
Genome position (GRCh38, 1-based): chr11:78,109,558, G>A on the plus strand (C>T on the coding strand, the complement: ALG8 is on the minus strand). VCF-style: chr11-78109558-G-A. GRCh37 (hg19) VCF-style: chr11-77820604-G-A.
Other names: c.922C>T, p.Pro308Ser (NM_001007027.3, NM_001425222.1, NM_001425225.1 and 4 more transcripts); c.925C>T, p.Pro309Ser (NM_001425219.1); c.907C>T, p.Pro303Ser (NM_001425220.1); c.916C>T, p.Pro306Ser (NM_001425223.1); c.1015C>T, p.Pro339Ser (NM_001425224.1); c.769C>T, p.Pro257Ser (NM_001425226.1, NM_001425236.1); c.721C>T, p.Pro241Ser (NM_001425231.1); c.658C>T, p.Pro220Ser (NM_001425234.1, NM_001425239.1); and 2 more; short protein forms P136S, P257S, P303S, P306S, P309S, P220S, P241S, P123S.
Identifiers: ClinVar variation 2911316 (VCV002911316.3), dbSNP rs150213168, ClinGen allele CA6203265.

ClinVar aggregate classification (germline): Uncertain significance (1 of 4 stars; one submission).

Conditions:
ALG8 congenital disorder of glycosylation. Also called: CDG Ih; CONGENITAL DISORDER OF GLYCOSYLATION, TYPE Ih; ALG8-CDG. Identifiers: Orphanet 79325, MedGen C2931002, MONDO:0011969, OMIM 608104.

Allele frequency attached by ClinVar (database versions not stated): gnomAD 0.00001; ExAC 0.00002; gnomAD exomes 0.00002; TOPMed 0.00002; ESP Exome Variant Server 0.00008.
gnomAD v4.1: 28 of 1,613,880 alleles (0.0017%); highest among the groups gnomAD compares: African/African-American, 0.0027%; no homozygotes.

Submission:

Labcorp Genetics (formerly Invitae), Labcorp
Classification: Uncertain significance for ALG8 congenital disorder of glycosylation. Last evaluated: 2023-11-27. Review status: criteria provided, single submitter. Criteria: Invitae Variant Classification Sherloc (09022015). Collection method: clinical testing. Allele origin: germline.
Comment: This sequence change replaces proline, which is neutral and non-polar, with serine, which is neutral and polar, at codon 308 of the ALG8 protein (p.Pro308Ser). This variant is present in population databases (rs150213168, gnomAD 0.008%). This variant has not been reported in the literature in individuals affected with ALG8-related conditions. An algorithm developed to predict the effect of missense changes on protein structure and function (PolyPhen-2) suggests that this variant is likely to be tolerated. In summary, the available evidence is currently insufficient to determine the role of this variant in disease. Therefore, it has been classified as a Variant of Uncertain Significance.